The following is an entry in ClinVar:

ClinVar aggregate classification (germline): Benign/Likely benign. Review status: criteria provided, multiple submitters, no conflicts (2 of 4 stars). 3 submissions from 3 submitters: Benign (1); Likely benign (2). Last evaluated 2025-05-13.

Conditions:
UNC45B-related disorder. Also called: UNC45B-related condition.

Allele frequency attached by ClinVar (database versions not stated): ESP Exome Variant Server 0.00077; 1000 Genomes Project 30x 0.00094; 1000 Genomes Project 0.00120; gnomAD exomes 0.00019 and 0.00031; ExAC 0.00025; gnomAD 0.00056 and 0.00058; TOPMed 0.00076.
gnomAD v4.1: 531 of 1,612,618 alleles (0.033%); highest among the groups gnomAD compares: African/African-American, 0.18%; no homozygotes.

Submissions (3):

PreventionGenetics, part of Exact Sciences
Classification: Likely benign for UNC45B-related condition. Last evaluated: 2025-05-13. Review status: criteria provided, single submitter. Criteria: ACMG Guidelines, 2015. Collection method: clinical testing. Allele origin: germline.
Comment: This variant is classified as likely benign based on ACMG/AMP sequence variant interpretation guidelines (Richards et al. 2015 PMID: 25741868, with internal and published modifications).

Labcorp Genetics (formerly Invitae), Labcorp
Classification: Benign. Last evaluated: 2025-03-26. Review status: criteria provided, single submitter. Criteria: Invitae Variant Classification Sherloc (09022015). Collection method: clinical testing. Allele origin: germline.

Blueprint Genetics
Classification: Likely benign. Last evaluated: 2024-09-09. Review status: criteria provided, single submitter. Criteria: ACMG Guidelines, 2015. Collection method: clinical testing. Allele origin: germline.

NM_001267052.2(UNC45B):c.2026-7C>T

Gene: UNC45B (unc-45 myosin chaperone B; plus strand). Cytogenetic location: 17q12.
Variant type: single nucleotide variant.
Coding change: c.2026-7C>T on transcript NM_001267052.2 (MANE Select); 7 bases into the intron before coding-DNA position 2026, C replaced by T.
Molecular consequence: intron variant.
Genome position (GRCh38, 1-based): chr17:35,177,010, C>T. VCF-style: chr17-35177010-C-T. GRCh37 (hg19) VCF-style: chr17-33504029-C-T.
Other names: c.2026-7C>T (NM_001033576.2); c.2032-7C>T (NM_173167.3); c.1789-7C>T (NM_001308281.1).
Identifiers: ClinVar variation 735743 (VCV000735743.8), dbSNP rs140652716, ClinGen allele CA8501392.